The following is an entry in ClinVar:

ClinVar aggregate classification (germline): Conflicting classifications of pathogenicity. Review status: criteria provided, conflicting classifications (1 of 4 stars). 3 submissions from 3 submitters: Uncertain significance (2); Likely benign (1). Last evaluated 2025-03-22.

Conditions:
Inborn genetic diseases. Identifiers: MedGen C0950123, MeSH D030342.
Autism spectrum disorder due to AUTS2 deficiency (MRD26). Also called: INTELLECTUAL DEVELOPMENTAL DISORDER, AUTOSOMAL DOMINANT 26. Identifiers: Orphanet 352490, MedGen C4014435, MONDO:0014361, OMIM 615834.

Allele frequency attached by ClinVar (database versions not stated): ExAC 0.00001; gnomAD 0.00001 and 0.00002; gnomAD exomes 0.00002 and 0.00003; TOPMed 0.00002.
gnomAD v4.1: 26 of 1,602,962 alleles (0.0016%); highest among the groups gnomAD compares: South Asian, 0.016%; no homozygotes.

Submissions (3):

Ambry Genetics
Classification: Likely benign for Inborn genetic diseases. Last evaluated: 2025-03-22. Review status: criteria provided, single submitter. Criteria: Ambry Variant Classification Scheme 2023. Collection method: clinical testing. Allele origin: germline.

Labcorp Genetics (formerly Invitae), Labcorp
Classification: Uncertain significance. Last evaluated: 2025-02-25. Review status: criteria provided, single submitter. Criteria: Invitae Variant Classification Sherloc (09022015). Collection method: clinical testing. Allele origin: germline.
Comment: This sequence change replaces arginine, which is basic and polar, with glutamine, which is neutral and polar, at codon 576 of the AUTS2 protein (p.Arg576Gln). This variant is present in population databases (rs773674679, gnomAD 0.01%). This variant has not been reported in the literature in individuals affected with AUTS2-related conditions. ClinVar contains an entry for this variant (Variation ID: 996089). Invitae Evidence Modeling of protein sequence and biophysical properties (such as structural, functional, and spatial information, amino acid conservation, physicochemical variation, residue mobility, and thermodynamic stability) indicates that this missense variant is expected to disrupt AUTS2 protein function with a positive predictive value of 80%. In summary, the available evidence is currently insufficient to determine the role of this variant in disease. Therefore, it has been classified as a Variant of Uncertain Significance.

Johns Hopkins Genomics, Johns Hopkins University
Classification: Uncertain significance for Autism spectrum disorder due to AUTS2 deficiency. Last evaluated: 2021-01-26. Review status: criteria provided, single submitter. Criteria: ACMG Guidelines, 2015. Collection method: clinical testing. Allele origin: germline.
Comment: This variant (rs773674679) is rare (<0.1%) in a large population dataset (gnomAD: 6/239984 total alleles; 0.0025%; no homozygotes) and has not been reported in ClinVar or the literature to our knowledge. Of three bioinformatics tools queried, two predict that this substitution would be damaging while one predicts that it would be tolerated. The arginine residue at this position is conserved across all vertebrate species assessed. This variant is not predicted to affect normal exon 10 splicing, although this has not been confirmed experimentally to our knowledge. Due to insufficient evidence, we consider the clinical significance of c.1727G>A to be uncertain at this time.

Literature cited by the submitters: PubMed 22872102 (cited by Johns Hopkins Genomics, Johns Hopkins University); PubMed 23332918 (cited by Johns Hopkins Genomics, Johns Hopkins University); PubMed 25205402 (cited by Johns Hopkins Genomics, Johns Hopkins University); PubMed 27075013 (cited by Johns Hopkins Genomics, Johns Hopkins University).

NM_015570.4(AUTS2):c.1727G>A (p.Arg576Gln)

Gene: AUTS2 (activator of transcription and developmental regulator AUTS2; plus strand). Cytogenetic location: 7q11.22.
Variant type: single nucleotide variant.
Coding change: c.1727G>A on transcript NM_015570.4 (MANE Select); coding-DNA position 1727, G replaced by A.
Protein change: p.Arg576Gln; replaces arginine 576 with glutamine.
Molecular consequence: missense variant.
Genome position (GRCh38, 1-based): chr7:70,768,061, G>A. VCF-style: chr7-70768061-G-A. GRCh37 (hg19) VCF-style: chr7-70233047-G-A.
Other names: c.1727G>A (NM_015570.2); c.1727G>A, p.Arg576Gln (NM_001127231.3); short protein forms R576Q.
Identifiers: ClinVar variation 996089 (VCV000996089.7), dbSNP rs773674679, ClinGen allele CA4280749.